The following is an entry in ClinVar:

ClinVar aggregate classification (germline): Uncertain significance (1 of 4 stars; one submission).

Conditions:
Welander distal myopathy (WDM). Also called: Welander distal myopathy, Swedish type; Distal myopathy, Swedish type; Gower's muscular dystrophy; MUSCULAR DYSTROPHY, DISTAL, LATE-ONSET, AUTOSOMAL DOMINANT. Identifiers: Orphanet 603, MedGen C0221054, MONDO:0011466, OMIM 604454.

Allele frequency attached by ClinVar (database versions not stated): gnomAD exomes below 0.00001.
gnomAD v4.1: 2 of 1,571,074 alleles (0.00013%); highest among the groups gnomAD compares: Admixed American, 0.0017%; no homozygotes.

Submission:

Labcorp Genetics (formerly Invitae), Labcorp
Classification: Uncertain significance for Welander distal myopathy. Last evaluated: 2023-12-05. Review status: criteria provided, single submitter. Criteria: Invitae Variant Classification Sherloc (09022015). Collection method: clinical testing. Allele origin: germline.
Comment: This sequence change falls in intron 6 of the TIA1 gene. It does not directly change the encoded amino acid sequence of the TIA1 protein. It affects a nucleotide within the consensus splice site. This variant is present in population databases (no rsID available, gnomAD 0.004%). This variant has not been reported in the literature in individuals affected with TIA1-related conditions. ClinVar contains an entry for this variant (Variation ID: 966574). Variants that disrupt the consensus splice site are a relatively common cause of aberrant splicing (PMID: 17576681, 9536098). Algorithms developed to predict the effect of sequence changes on RNA splicing suggest that this variant is not likely to affect RNA splicing. In summary, the available evidence is currently insufficient to determine the role of this variant in disease. Therefore, it has been classified as a Variant of Uncertain Significance.

Literature cited by the submitters: PubMed 17576681; PubMed 9536098.

NM_022173.4(TIA1):c.398+3A>G

Gene: TIA1 (TIA1 cytotoxic granule associated RNA binding protein; minus strand). Cytogenetic location: 2p13.3.
Variant type: single nucleotide variant.
Coding change: c.398+3A>G on transcript NM_022173.4 (MANE Select); 3 bases into the intron after coding-DNA position 398, A replaced by G.
Molecular consequence: intron variant.
Genome position (GRCh38, 1-based): chr2:70,227,732, T>C on the plus strand (A>G on the coding strand, the complement: TIA1 is on the minus strand). VCF-style: chr2-70227732-T-C. GRCh37 (hg19) VCF-style: chr2-70454864-T-C.
Other names: c.254+3A>G (NM_001351513.1); c.287+3A>G (NM_001351511.1); c.260+3A>G (NM_001351512.1); c.170+3A>G (NM_001351514.2, NM_001351523.2); c.-23+3A>G (NM_001351524.2); c.-127+3A>G (NM_001351517.2); c.365+3A>G (NM_001351510.2, NM_022037.4, NM_001351521.2); c.-89+3A>G (NM_001351525.2); and 4 more.
Identifiers: ClinVar variation 966574 (VCV000966574.7), dbSNP rs1157656176, ClinGen allele CA533216676.